The following is an entry in ClinVar:

ClinVar aggregate classification (germline): Benign (0 of 4 stars; one submission).

Conditions:
DNAH2-related disorder. Also called: DNAH2-related condition.

Allele frequency attached by ClinVar (database versions not stated): gnomAD exomes 0.00154; ExAC 0.00531; gnomAD 0.01528; ESP Exome Variant Server 0.01784; 1000 Genomes Project 0.01797; 1000 Genomes Project 30x 0.01905.

Submission:

PreventionGenetics, part of Exact Sciences
Classification: Benign for DNAH2-related condition. Last evaluated: 2019-04-02. Review status: no assertion criteria provided. Collection method: clinical testing. Allele origin: germline.
Comment: This variant is classified as benign based on ACMG/AMP sequence variant interpretation guidelines (Richards et al. 2015 PMID: 25741868, with internal and published modifications).

NM_020877.5(DNAH2):c.948G>A (p.Ala316=)

Gene: DNAH2 (dynein axonemal heavy chain 2; plus strand). Cytogenetic location: 17p13.1.
Variant type: single nucleotide variant.
Coding change: c.948G>A on transcript NM_020877.5 (MANE Select); coding-DNA position 948, G replaced by A.
Protein change: p.Ala316=; no amino-acid change (alanine 316 retained).
Molecular consequence: synonymous variant.
Genome position (GRCh38, 1-based): chr17:7,734,678, G>A. VCF-style: chr17-7734678-G-A. GRCh37 (hg19) VCF-style: chr17-7637996-G-A.
Other names: c.948G>A, p.Ala316= (NM_001303270.2).
Identifiers: ClinVar variation 3037878 (VCV003037878.2), dbSNP rs112562554, ClinGen allele CA8355987.